The following is an entry in ClinVar:

ClinVar aggregate classification (germline): Uncertain significance (1 of 4 stars; one submission).

Submission:

Labcorp Genetics (formerly Invitae), Labcorp
Classification: Uncertain significance. Last evaluated: 2022-09-19. Review status: criteria provided, single submitter. Criteria: Invitae Variant Classification Sherloc (09022015). Collection method: clinical testing. Allele origin: germline.
Comment: In summary, the available evidence is currently insufficient to determine the role of this variant in disease. Therefore, it has been classified as a Variant of Uncertain Significance. Algorithms developed to predict the effect of sequence changes on RNA splicing suggest that this variant is not likely to affect RNA splicing. This variant has not been reported in the literature in individuals affected with PHYH-related conditions. This variant is not present in population databases (gnomAD no frequency). This sequence change affects codon 25 of the PHYH mRNA. It is a 'silent' change, meaning that it does not change the encoded amino acid sequence of the PHYH protein. It affects a nucleotide within the consensus splice site.

NM_006214.4(PHYH):c.75C>A (p.Val25=)

Genes: PHYH (phytanoyl-CoA 2-hydroxylase; minus strand), LOC130003374 (ATAC-STARR-seq lymphoblastoid silent region 2152; plus strand). Cytogenetic location: 10p13.
Variant type: single nucleotide variant.
Coding change: c.75C>A on transcript NM_006214.4 (MANE Select); coding-DNA position 75, C replaced by A.
Protein change: p.Val25=; no amino-acid change (valine 25 retained).
Molecular consequence: synonymous variant.
Genome position (GRCh38, 1-based): chr10:13,299,968, G>T on the plus strand (C>A on the coding strand, the complement: PHYH is on the minus strand). VCF-style: chr10-13299968-G-T. GRCh37 (hg19) VCF-style: chr10-13341968-G-T.
Other names: c.75C>A, p.Val25= (NM_001323082.2, NM_001323083.2).
Identifiers: ClinVar variation 1975470 (VCV001975470.5), dbSNP rs979929457, ClinGen allele CA203286368.